The following is an entry in ClinVar:

NM_052867.4(NALCN):c.476G>A (p.Arg159Gln)

Gene: NALCN (sodium leak channel, non-selective; minus strand). Cytogenetic location: 13q33.1.
Variant type: single nucleotide variant.
Coding change: c.476G>A on transcript NM_052867.4 (MANE Select); coding-DNA position 476, G replaced by A.
Protein change: p.Arg159Gln; replaces arginine 159 with glutamine.
Molecular consequence: missense variant.
Genome position (GRCh38, 1-based): chr13:101,376,956, C>T on the plus strand (G>A on the coding strand, the complement: NALCN is on the minus strand). VCF-style: chr13-101376956-C-T. GRCh37 (hg19) VCF-style: chr13-102029307-C-T.
Other names: c.476G>A, p.Arg159Gln (NM_001350748.2, NM_001350749.2, NM_001350750.2 and 1 more transcripts); short protein forms R159Q.
Identifiers: ClinVar variation 1211394 (VCV001211394.5), dbSNP rs1166728490, ClinGen allele CA388705632.

ClinVar aggregate classification (germline): Uncertain significance (1 of 4 stars; one submission).

Allele frequency attached by ClinVar (database versions not stated): gnomAD exomes below 0.00001 and 0.00001; gnomAD 0.00001.
gnomAD v4.1: 7 of 1,614,038 alleles (0.00043%); highest among the groups gnomAD compares: South Asian, 0.0011%; no homozygotes.

Submission:

GeneDx
Classification: Uncertain significance. Last evaluated: 2022-01-10. Review status: criteria provided, single submitter. Criteria: GeneDx Variant Classification Process June 2021. Collection method: clinical testing. Allele origin: germline. Affected: yes.
Comment: In silico analysis supports that this missense variant does not alter protein structure/function; Has not been previously published as pathogenic or benign to our knowledge